The following is an entry in ClinVar:

ClinVar aggregate classification (germline): Uncertain significance (1 of 4 stars; one submission).

Conditions:
Hereditary pancreatitis (PCTT). Also called: Hereditary chronic pancreatitis; PRSS1-Related Hereditary Pancreatitis. Identifiers: Orphanet 676, MedGen C0238339, MONDO:0008185, OMIM 167800.

Submission:

Ambry Genetics
Classification: Uncertain significance for Hereditary pancreatitis. Last evaluated: 2025-04-28. Review status: criteria provided, single submitter. Criteria: Ambry Variant Classification Scheme 2023. Collection method: clinical testing. Allele origin: germline.
Comment: The p.L408R variant (also known as c.1223T>G), located in coding exon 10 of the CPA1 gene, results from a T to G substitution at nucleotide position 1223. The leucine at codon 408 is replaced by arginine, an amino acid with dissimilar properties. This amino acid position is conserved. In addition, this alteration is predicted to be tolerated by in silico analysis. Since supporting evidence is limited at this time, the clinical significance of this alteration remains unclear.

NM_001868.4(CPA1):c.1223T>G (p.Leu408Arg)

Gene: CPA1 (carboxypeptidase A1; plus strand). Cytogenetic location: 7q32.2.
Variant type: single nucleotide variant.
Coding change: c.1223T>G on transcript NM_001868.4 (MANE Select); coding-DNA position 1223, T replaced by G.
Protein change: p.Leu408Arg; replaces leucine 408 with arginine.
Molecular consequence: missense variant.
Genome position (GRCh38, 1-based): chr7:130,387,974, T>G. VCF-style: chr7-130387974-T-G. GRCh37 (hg19) VCF-style: chr7-130027815-T-G.
Other names: short protein forms L408R.
Identifiers: ClinVar variation 1753716 (VCV001753716.3), dbSNP rs1796502309, ClinGen allele CA369284569.